The following is an entry in ClinVar:

ClinVar aggregate classification (germline): Likely benign. Review status: criteria provided, multiple submitters, no conflicts (2 of 4 stars). 2 submissions from 2 submitters: Likely benign (2). Last evaluated 2026-06-16.

Conditions:
RIGI-related disorder. Also called: RIGI-related condition.

gnomAD v4.1: 1,534 of 1,609,528 alleles (0.095%); highest among the groups gnomAD compares: Admixed American, 0.11%; 2 homozygotes.

Submissions (3):

PreventionGenetics, part of Exact Sciences
Classification: Likely benign for RIGI-related condition. Last evaluated: 2026-06-16. Review status: criteria provided, single submitter. Criteria: ACMG Guidelines, 2015. Collection method: clinical testing. Allele origin: germline.
Comment: This variant is classified as likely benign based on ACMG/AMP sequence variant interpretation guidelines (Richards et al. 2015 PMID: 25741868, with internal and published modifications).

Blueprint Genetics
Classification: Likely benign. Last evaluated: 2024-10-18. Review status: criteria provided, single submitter. Criteria: ACMG Guidelines, 2015. Collection method: clinical testing. Allele origin: germline.

Dr. Peter K. Rogan Lab, Western University
No classification provided (evidence only). Condition: Malignant tumor of esophagus. Review status: no classification provided. Collection method: in vitro. Allele origin: not applicable. Functional consequence: retained intron. Not counted in ClinVar's aggregate classification.

NM_014314.4(RIGI):c.-5C>T

Genes: RIGI (RNA sensor RIG-I; minus strand), LOC130001628 (ATAC-STARR-seq lymphoblastoid active region 28262; plus strand). Cytogenetic location: 9p21.1.
Variant type: single nucleotide variant.
Coding change: c.-5C>T on transcript NM_014314.4 (MANE Select); 5 bases upstream of the start codon, C replaced by T.
Molecular consequence: 5 prime UTR variant.
Genome position (GRCh38, 1-based): chr9:32,526,171, G>A on the plus strand (C>T on the coding strand, the complement: RIGI is on the minus strand). VCF-style: chr9-32526171-G-A. GRCh37 (hg19) VCF-style: chr9-32526169-G-A.
Other names: NC_000009.11:g.32526169G>A; c.-5C>T (NM_001385907.1, NM_001385909.1, NM_001385913.1 and 1 more transcripts); c.-459C>T (NM_001385910.1, NM_001385914.1); c.-466C>T (NM_001385912.1).
Identifiers: ClinVar variation 4355725 (VCV004355725.3).